The following is an entry in ClinVar:

NM_002224.4(ITPR3):c.6933_6934insTT (p.Lys2312fs)

Gene: ITPR3 (inositol 1,4,5-trisphosphate receptor type 3; plus strand). Cytogenetic location: 6p21.31.
Variant type: Insertion.
Coding change: c.6933_6934insTT on transcript NM_002224.4 (MANE Select); coding-DNA positions 6933 to 6934, TT inserted.
Protein change: p.Lys2312fs; shifts the reading frame from lysine 2312.
Molecular consequence: frameshift variant.
Genome position: GRCh38 VCF-style: chr6-33690098-A-ATT. GRCh37 (hg19) VCF-style: chr6-33657875-A-ATT.
Other names: short protein forms K2312fs.
Identifiers: ClinVar variation 3344708 (VCV003344708.1).

ClinVar aggregate classification (germline): Uncertain significance (0 of 4 stars; one submission).

Conditions:
ITPR3-related disorder. Also called: ITPR3-related condition.

Submission:

PreventionGenetics, part of Exact Sciences
Classification: Uncertain significance for ITPR3-related condition. Last evaluated: 2024-05-20. Review status: no assertion criteria provided. Collection method: clinical testing. Allele origin: germline.
Comment: The ITPR3 c.6933_6934insTT variant is predicted to result in a frameshift and premature protein termination (p.Lys2312Leufs*18). To our knowledge, this variant has not been reported in the literature or in a large population database, indicating this variant is rare. Of note, loss of function variants in ITPR3 have not conclusively been associated with disease. At this time, the clinical significance of this variant is uncertain due to the absence of conclusive functional and genetic evidence.